The following is an entry in ClinVar:

ClinVar aggregate classification (germline): Uncertain significance. Review status: criteria provided, multiple submitters, no conflicts (2 of 4 stars). 2 submissions from 2 submitters: Uncertain significance (2). Last evaluated 2025-07-09.

Conditions:
Hereditary nonpolyposis colorectal neoplasms. Identifiers: MedGen C0009405, MeSH D003123.
Hereditary cancer-predisposing syndrome. Also called: Hereditary neoplastic syndrome; Neoplastic Syndromes, Hereditary; Tumor predisposition; Hereditary Cancer Syndrome. Identifiers: Orphanet 140162, MedGen C0027672, MeSH D009386, MONDO:0015356.

Submissions (2):

Labcorp Genetics (formerly Invitae), Labcorp
Classification: Uncertain significance for Hereditary nonpolyposis colorectal neoplasms. Last evaluated: 2025-07-09. Review status: criteria provided, single submitter. Criteria: Invitae Variant Classification Sherloc (09022015). Collection method: clinical testing. Allele origin: germline.
Comment: This sequence change replaces asparagine, which is neutral and polar, with tyrosine, which is neutral and polar, at codon 705 of the MSH6 protein (p.Asn705Tyr). This variant is not present in population databases (gnomAD no frequency). This variant has not been reported in the literature in individuals affected with MSH6-related conditions. ClinVar contains an entry for this variant (Variation ID: 1006303). Invitae Evidence Modeling of protein sequence and biophysical properties (such as structural, functional, and spatial information, amino acid conservation, physicochemical variation, residue mobility, and thermodynamic stability) has been performed for this missense variant. However, the output from this modeling did not meet the statistical confidence thresholds required to predict the impact of this variant on MSH6 protein function. In summary, the available evidence is currently insufficient to determine the role of this variant in disease. Therefore, it has been classified as a Variant of Uncertain Significance.

Ambry Genetics
Classification: Uncertain significance for Hereditary cancer-predisposing syndrome. Last evaluated: 2023-10-13. Review status: criteria provided, single submitter. Criteria: Ambry Variant Classification Scheme 2023. Collection method: clinical testing. Allele origin: germline.
Comment: The p.N705Y variant (also known as c.2113A>T), located in coding exon 4 of the MSH6 gene, results from an A to T substitution at nucleotide position 2113. The asparagine at codon 705 is replaced by tyrosine, an amino acid with dissimilar properties. This amino acid position is conserved. In addition, this alteration is predicted to be deleterious by in silico analysis. Since supporting evidence is limited at this time, the clinical significance of this alteration remains unclear.

NM_000179.3(MSH6):c.2113A>T (p.Asn705Tyr)

Gene: MSH6 (mutS homolog 6; plus strand). Cytogenetic location: 2p16.3.
Variant type: single nucleotide variant.
Coding change: c.2113A>T on transcript NM_000179.3 (MANE Select); coding-DNA position 2113, A replaced by T.
Protein change: p.Asn705Tyr; replaces asparagine 705 with tyrosine.
Molecular consequence: missense variant.
Genome position (GRCh38, 1-based): chr2:47,800,096, A>T. VCF-style: chr2-47800096-A-T. GRCh37 (hg19) VCF-style: chr2-48027235-A-T.
Other names: c.1723A>T, p.Asn575Tyr (NM_001281492.2); c.1207A>T, p.Asn403Tyr (NM_001281493.2, NM_001281494.2); c.2113A>T (NM_000179.2); short protein forms N403Y, N575Y, N705Y.
Identifiers: ClinVar variation 1006303 (VCV001006303.10), dbSNP rs1669422012, ClinGen allele CA346750951.